The following is an entry in ClinVar:

NM_017975.5(ZWILCH):c.1153T>A (p.Trp385Arg)

Gene: ZWILCH (zwilch kinetochore protein; plus strand). Cytogenetic location: 15q22.31.
Variant type: single nucleotide variant.
Coding change: c.1153T>A on transcript NM_017975.5 (MANE Select); coding-DNA position 1153, T replaced by A.
Protein change: p.Trp385Arg; replaces tryptophan 385 with arginine.
Molecular consequence: missense variant.
Genome position (GRCh38, 1-based): chr15:66,529,571, T>A. VCF-style: chr15-66529571-T-A. GRCh37 (hg19) VCF-style: chr15-66821909-T-A.
Other names: c.811T>A, p.Trp271Arg (NM_001287821.2, NM_001287822.2, NM_001287823.2); short protein forms W271R, W385R.
Identifiers: ClinVar variation 4997426 (VCV004997426.1).

ClinVar aggregate classification (germline): Uncertain significance (1 of 4 stars; one submission).

Conditions:
ZWILCH-related condition.

Submission:

PreventionGenetics, part of Exact Sciences
Classification: Uncertain significance for ZWILCH-related condition. Last evaluated: 2024-11-05. Review status: criteria provided, single submitter. Criteria: ACMG Guidelines, 2015. Collection method: clinical testing. Allele origin: germline.
Comment: The ZWILCH c.1153T>A variant is predicted to result in the amino acid substitution p.Trp385Arg. To our knowledge, this variant has not been reported in the literature or in a large population database (gnomAD), indicating this variant is rare. At this time, the clinical significance of this variant is uncertain due to the absence of conclusive functional and genetic evidence.